The following is an entry in ClinVar:

ClinVar aggregate classification (germline): Uncertain significance (1 of 4 stars; one submission).

Allele frequency attached by ClinVar (database versions not stated): gnomAD exomes below 0.00001; TOPMed below 0.00001; gnomAD 0.00001.
gnomAD v4.1: 2 of 1,612,952 alleles (0.00012%); highest among the groups gnomAD compares: African/African-American, 0.0027%; no homozygotes.

Submission:

Labcorp Genetics (formerly Invitae), Labcorp
Classification: Uncertain significance. Last evaluated: 2022-01-06. Review status: criteria provided, single submitter. Criteria: Invitae Variant Classification Sherloc (09022015). Collection method: clinical testing. Allele origin: germline.
Comment: In summary, the available evidence is currently insufficient to determine the role of this variant in disease. Therefore, it has been classified as a Variant of Uncertain Significance. Algorithms developed to predict the effect of missense changes on protein structure and function (SIFT, PolyPhen-2, Align-GVGD) all suggest that this variant is likely to be disruptive. This variant has not been reported in the literature in individuals affected with MPDZ-related conditions. This variant is not present in population databases (gnomAD no frequency). This sequence change replaces lysine, which is basic and polar, with asparagine, which is neutral and polar, at codon 213 of the MPDZ protein (p.Lys213Asn).

NM_001378778.1(MPDZ):c.639A>C (p.Lys213Asn)

Gene: MPDZ (multiple PDZ domain crumbs cell polarity complex component; minus strand). Cytogenetic location: 9p23.
Variant type: single nucleotide variant.
Coding change: c.639A>C on transcript NM_001378778.1 (MANE Select); coding-DNA position 639, A replaced by C.
Protein change: p.Lys213Asn; replaces lysine 213 with asparagine.
Molecular consequence: missense variant.
Genome position (GRCh38, 1-based): chr9:13,222,341, T>G on the plus strand (A>C on the coding strand, the complement: MPDZ is on the minus strand). VCF-style: chr9-13222341-T-G. GRCh37 (hg19) VCF-style: chr9-13222340-T-G.
Other names: c.639A>C, p.Lys213Asn (NM_001261406.2, NM_001261407.2, NM_001330637.2 and 14 more transcripts); short protein forms K213N.
Identifiers: ClinVar variation 1348600 (VCV001348600.6), dbSNP rs1959179344, ClinGen allele CA372946784.
Genomic context (GRCh38, chr9:13,222,341, plus strand): 5'-AACTATGGGGCTGACAAGCTGAGGCAATGAGCCTCTGGCAATAACTAGCTGGACAGTATC[T>G]TTGGCTTTCTGCAGGATGCTGATAGCCTGCTGATGTGTAATTGTCTGATCAAGAGCCTGT-3'
Protein context (NP_001365707.1, residues 203-223): QQAISILQKA[Lys213Asn]DTVQLVIARG